The following is an entry in ClinVar:

NM_014363.6(SACS):c.8955del (p.His2986fs)

Gene: SACS (sacsin molecular chaperone; minus strand). Cytogenetic location: 13q12.12.
Variant type: Deletion.
Coding change: c.8955del on transcript NM_014363.6 (MANE Select); coding-DNA position 8955, one base deleted (T; older notation c.8955delT).
Protein change: p.His2986fs; shifts the reading frame from histidine 2986.
Molecular consequence: frameshift variant.
Genome position (GRCh38, 1-based): chr13:23,334,921, A deleted on the plus strand (T on the coding strand, the reverse complement: SACS is on the minus strand); the first of 2 consecutive A bases (chr13:23,334,921-23,334,922); deleting either gives the same sequence. VCF-style (leftmost placement, unchanged base first): chr13-23334920-GA-G. GRCh37 (hg19) VCF-style: chr13-23909059-GA-G.
Other names: c.8514del, p.His2839fs (NM_001278055.2); c.8955del (NM_014363.5); short protein forms H2986fs, H2839fs.
Identifiers: ClinVar variation 1413253 (VCV001413253.10), dbSNP rs1228783766, ClinGen allele CA696608489.
Genomic context (GRCh38, chr13:23,334,920, plus strand): 5'-AGTCAGAGCCATCAATATTTGGAGCCCGCACAACAGGTAAAAGACGTTTCATGTCTTCGT[GA>G]ATGCAATTGTAAAGTGCTTTCACTAGACAATATAAATCTGGCTGTAGATCAAGACGGTTA-3'

ClinVar aggregate classification (germline): Pathogenic/Likely pathogenic. Review status: criteria provided, multiple submitters, no conflicts (2 of 4 stars). 2 submissions from 2 submitters: Pathogenic (1); Likely pathogenic (1). Last evaluated 2025-01-30.

Conditions:
Spastic paraplegia. Identifiers: MedGen C0037772, HP:0001258.
Charlevoix-Saguenay spastic ataxia (SACS). Also called: AUTOSOMAL RECESSIVE SPASTIC ATAXIA OF CHARLEVOIX-SAGUENAY; SPASTIC ATAXIA 6, AUTOSOMAL RECESSIVE; Spastic ataxia of Charlevoix-Saguenay. Identifiers: Orphanet 98, MedGen C1849140, MONDO:0010041, OMIM 270550.

Submissions (2):

Natera, Inc.
Classification: Likely pathogenic for Charlevoix-Saguenay type spastic ataxia. Last evaluated: 2025-01-30. Review status: criteria provided, single submitter. Criteria: Natera Variant Classification Schema (03/2026). Collection method: clinical testing. Allele origin: germline.
Comment: The c.8955del variant in SACS is a frameshift variant predicted to shift the reading frame beginning at codon 2986 and leads to a stop codon 4 codons downstream. This variant is expected to result in nonsense mediated decay, truncation, or a dysfunctional protein product. This variant is rare in the general population with a frequency below the threshold expected for the associated phenotype(s). Given the available evidence, this variant is classified as Likely Pathogenic.

Labcorp Genetics (formerly Invitae), Labcorp
Classification: Pathogenic for Spastic paraplegia. Last evaluated: 2021-02-20. Review status: criteria provided, single submitter. Criteria: Invitae Variant Classification Sherloc (09022015). Collection method: clinical testing. Allele origin: germline.
Comment: For these reasons, this variant has been classified as Pathogenic. This variant has not been reported in the literature in individuals with SACS-related conditions. This sequence change creates a premature translational stop signal (p.His2986Thrfs*4) in the SACS gene. While this is not anticipated to result in nonsense mediated decay, it is expected to disrupt the last 1594 amino acid(s) of the SACS protein. This variant is not present in population databases (ExAC no frequency). This variant disrupts the C-terminus of the SACS protein. Other variant(s) that disrupt this region (p.Tyr4538*) have been determined to be pathogenic (PMID: 21507954, 15156359, Invitae). This suggests that variants that disrupt this region of the protein are likely to be causative of disease.

Literature cited by the submitters: PubMed 21507954 (cited by Labcorp Genetics (formerly Invitae), Labcorp); PubMed 15156359 (cited by Labcorp Genetics (formerly Invitae), Labcorp).